The following is an entry in ClinVar:

NM_000435.3(NOTCH3):c.1561_1569dup (p.Val523_Asp524insLysCysVal)

Gene: NOTCH3 (notch receptor 3; minus strand). Cytogenetic location: 19p13.12.
Variant type: Duplication.
Coding change: c.1561_1569dup on transcript NM_000435.3 (MANE Select); coding-DNA positions 1561 to 1569, 9 bases duplicated (AAATGCGTG; older notation c.1561_1569dupAAATGCGTG).
Protein change: p.Val523_Asp524insLysCysVal.
Molecular consequence: inframe insertion.
Genome position (GRCh38, 1-based): chr19:15,187,918-15,187,926, CACGCATTT duplicated on the plus strand (AAATGCGTG on the coding strand, the reverse complement: NOTCH3 is on the minus strand). VCF-style (leftmost placement, unchanged base first): chr19-15187917-C-CCACGCATTT. GRCh37 (hg19) VCF-style: chr19-15298728-C-CCACGCATTT.
Identifiers: ClinVar variation 2845535 (VCV002845535.3), dbSNP rs2512659362, ClinGen allele CA2739276582.

ClinVar aggregate classification (germline): Uncertain significance (1 of 4 stars; one submission).

Submission:

Labcorp Genetics (formerly Invitae), Labcorp
Classification: Uncertain significance. Last evaluated: 2023-03-14. Review status: criteria provided, single submitter. Criteria: Invitae Variant Classification Sherloc (09022015). Collection method: clinical testing. Allele origin: germline.
Comment: In summary, the available evidence is currently insufficient to determine the role of this variant in disease. Therefore, it has been classified as a Variant of Uncertain Significance. This variant has not been reported in the literature in individuals affected with NOTCH3-related conditions. This variant is not present in population databases (gnomAD no frequency). This variant, c.1561_1569dup, results in the insertion of 3 amino acid(s) of the NOTCH3 protein (p.Lys521_Val523dup), but otherwise preserves the integrity of the reading frame.